The following is an entry in ClinVar:

NM_001042492.3(NF1):c.2629A>G (p.Met877Val)

Gene: NF1 (neurofibromin 1; plus strand). Cytogenetic location: 17q11.2.
Variant type: single nucleotide variant.
Coding change: c.2629A>G on transcript NM_001042492.3 (MANE Select); coding-DNA position 2629, A replaced by G.
Protein change: p.Met877Val; replaces methionine 877 with valine.
Molecular consequence: missense variant.
Genome position (GRCh38, 1-based): chr17:31,229,244, A>G. VCF-style: chr17-31229244-A-G. GRCh37 (hg19) VCF-style: chr17-29556262-A-G.
Other names: c.2629A>G, p.Met877Val (NM_000267.4); short protein forms M877V.
Identifiers: ClinVar variation 232159 (VCV000232159.17), dbSNP rs764950557, ClinGen allele CA8486009.

ClinVar aggregate classification (germline): Conflicting classifications of pathogenicity. Review status: criteria provided, conflicting classifications (1 of 4 stars). 6 submissions from 5 submitters: Uncertain significance (5); Benign (1). Last evaluated 2025-11-05.

Conditions:
Hereditary cancer-predisposing syndrome. Also called: Hereditary Cancer Syndrome; Neoplastic Syndromes, Hereditary; Tumor predisposition; Hereditary neoplastic syndrome. Identifiers: Orphanet 140162, MedGen C0027672, MeSH D009386, MONDO:0015356.
Cardiovascular phenotype. Identifiers: MedGen CN230736.
Neurofibromatosis, type 1 (NF1). Also called: Neurofibromatosis, type I; VON RECKLINGHAUSEN DISEASE; NEUROFIBROMATOSIS, TYPE I, SOMATIC; Peripheral type neurofibromatosis. Identifiers: Orphanet 636, MedGen C0027831, MONDO:0018975, OMIM 162200. Disease mechanism: loss of function.

Allele frequency attached by ClinVar (database versions not stated): ExAC 0.00001; gnomAD 0.00001; gnomAD exomes 0.00001; TOPMed 0.00001.

Submissions (6):

Labcorp Genetics (formerly Invitae), Labcorp
Classification: Benign for Neurofibromatosis, type 1. Last evaluated: 2025-11-05. Review status: criteria provided, single submitter. Criteria: Invitae Variant Classification Sherloc (09022015). Collection method: clinical testing. Allele origin: germline.

Quest Diagnostics Nichols Institute San Juan Capistrano
Classification: Uncertain significance. Last evaluated: 2025-07-22. Review status: criteria provided, single submitter. Criteria: Quest Diagnostics criteria. Collection method: clinical testing. Allele origin: unknown.

GeneDx
Classification: Uncertain significance. Last evaluated: 2023-09-20. Review status: criteria provided, single submitter. Criteria: GeneDx Variant Classification Process June 2021. Collection method: clinical testing. Allele origin: germline. Affected: yes.
Comment: In silico analysis supports that this missense variant does not alter protein structure/function; Has not been previously published as pathogenic or benign to our knowledge; This variant is associated with the following publications: (PMID: 2121369, 25486365)

Ambry Genetics
Classification: Uncertain significance for Cardiovascular phenotype; Hereditary cancer-predisposing syndrome. Last evaluated: 2022-09-22. Review status: criteria provided, single submitter. Criteria: Ambry Variant Classification Scheme 2023. Collection method: clinical testing. Allele origin: germline.

Genome-Nilou Lab
Classification: Uncertain significance for Neurofibromatosis, type 1. Last evaluated: 2022-03-15. Review status: criteria provided, single submitter. Criteria: ACMG Guidelines, 2015. Collection method: clinical testing. Allele origin: germline. Affected: no.

Ambry Genetics
Classification: Uncertain significance for Hereditary cancer-predisposing syndrome. Last evaluated: 2015-06-04. Review status: criteria provided, single submitter. Criteria: Ambry Autosomal Dominant and X-Linked criteria (10/2015). Collection method: clinical testing. Allele origin: germline. Observed: 1 variant allele.
Comment: The p.M877V variant (also known as c.2629A>G), located in coding exon 21 of the NF1 gene, results from an A to G substitution at nucleotide position 2629. The methionine at codon 877 is replaced by valine, an amino acid with highly similar properties. This variant was not reported in population based cohorts in the following databases: Database of Single Nucleotide Polymorphisms (dbSNP), NHLBI Exome Sequencing Project (ESP), and 1000 Genomes Project. In the ESP, this variant was not observed in 6503 samples (13006 alleles) with coverage at this position. To date, this alteration has been detected with an allele frequency of approximately 0.002% (greater than 110000 alleles tested) in our clinical cohort. This amino acid position is well conserved in available vertebrate species. In addition, the in silico prediction for this alteration is inconclusive. Since supporting evidence is limited at this time, the clinical significance of p.M877V remains unclear.